The following is an entry in ClinVar:

ClinVar aggregate classification (germline): Uncertain significance (1 of 4 stars; one submission).

gnomAD v4.1: 1 of 1,206,090 alleles (0.000083%); highest among the groups gnomAD compares: Non-Finnish European, 0.00011%; no homozygotes.

Submission:

GeneDx
Classification: Uncertain significance. Last evaluated: 2025-05-29. Review status: criteria provided, single submitter. Criteria: GeneDx Variant Classification Process June 2021. Collection method: clinical testing. Allele origin: germline. Affected: yes.
Comment: Not observed at significant frequency in large population cohorts (gnomAD); In silico analysis suggests that this missense variant does not alter protein structure/function; Has not been previously published as pathogenic or benign to our knowledge

NM_000489.6(ATRX):c.4342G>A (p.Glu1448Lys)

Gene: ATRX (ATRX chromatin remodeler; minus strand). Cytogenetic location: Xq21.1.
Variant type: single nucleotide variant.
Coding change: c.4342G>A on transcript NM_000489.6 (MANE Select); coding-DNA position 4342, G replaced by A.
Protein change: p.Glu1448Lys; replaces glutamic acid 1448 with lysine.
Molecular consequence: missense variant.
Genome position (GRCh38, 1-based): chrX:77,652,329, C>T on the plus strand (G>A on the coding strand, the complement: ATRX is on the minus strand). VCF-style: chrX-77652329-C-T. GRCh37 (hg19) VCF-style: chrX-76907819-C-T.
Other names: c.4228G>A, p.Glu1410Lys (NM_138270.5); short protein forms E1410K, E1448K.
Identifiers: ClinVar variation 4532483 (VCV004532483.1).